The following is an entry in ClinVar:

NM_001290208.3(ZNF717):c.633T>C (p.Cys211=)

Gene: ZNF717 (zinc finger protein 717; minus strand). Cytogenetic location: 3p12.3.
Variant type: single nucleotide variant.
Coding change: c.633T>C on transcript NM_001290208.3 (MANE Select); coding-DNA position 633, T replaced by C.
Protein change: p.Cys211=; no amino-acid change (cysteine 211 retained).
Molecular consequence: synonymous variant. On other transcripts: intron variant (3).
Genome position (GRCh38, 1-based): chr3:75,738,990, A>G on the plus strand (T>C on the coding strand, the complement: ZNF717 is on the minus strand). VCF-style: chr3-75738990-A-G. GRCh37 (hg19) VCF-style: chr3-75788141-A-G.
Other names: c.633T>C, p.Cys211= (NM_001128223.3, NM_001324027.1); c.483T>C, p.Cys161= (NM_001290209.3); c.277+2286T>C (NM_001290210.2, NM_001324026.2); c.256+2286T>C (NM_001324028.1).
Identifiers: ClinVar variation 4873231 (VCV004873231.2).

ClinVar aggregate classification (germline): Likely benign (1 of 4 stars; one submission).

Submission:

CeGaT Center for Human Genetics Tuebingen
Classification: Likely benign. Last evaluated: 2026-04-01. Review status: criteria provided, single submitter. Criteria: CeGaT Center For Human Genetics Tuebingen Variant Classification Criteria Version 2. Collection method: clinical testing. Allele origin: germline. Affected: yes. Observed: 1 variant allele.
Comment: ZNF717: PM2:Supporting, BP4, BP7